The following is an entry in ClinVar:

ClinVar aggregate classification (germline): Pathogenic (1 of 4 stars; one submission).

Conditions:
Neonatal-onset encephalopathy with rigidity and seizures. Also called: Lethal neonatal spasticity-epileptic encephalopathy syndrome. Identifiers: Orphanet 435845, MedGen C3281029, MONDO:0013784, OMIM 614498.

Submission:

Labcorp Genetics (formerly Invitae), Labcorp
Classification: Pathogenic for Neonatal-onset encephalopathy with rigidity and seizures. Last evaluated: 2025-07-04. Review status: criteria provided, single submitter. Criteria: Invitae Variant Classification Sherloc (09022015). Collection method: clinical testing. Allele origin: germline.
Comment: This sequence change creates a premature translational stop signal (p.Val638Alafs*64) in the BRAT1 gene. While this is not anticipated to result in nonsense mediated decay, it is expected to disrupt the last 184 amino acid(s) of the BRAT1 protein. This variant is not present in population databases (gnomAD no frequency). This variant has not been reported in the literature in individuals affected with BRAT1-related conditions. This variant disrupts a region of the BRAT1 protein in which other variant(s) (p.Gly765Argfs*6) have been determined to be pathogenic (PMID: 32565546; internal data). This suggests that this is a clinically significant region of the protein, and that variants that disrupt it are likely to be disease-causing. For these reasons, this variant has been classified as Pathogenic.

Literature cited by the submitters: PubMed 32565546.

NM_152743.4(BRAT1):c.1913_1914del (p.Val638fs)

Gene: BRAT1 (BRCA1 associated ATM activator 1; minus strand). Cytogenetic location: 7p22.3.
Variant type: Microsatellite.
Coding change: c.1913_1914del on transcript NM_152743.4 (MANE Select); coding-DNA positions 1913 to 1914, 2 bases deleted (TG; older notation c.1913_1914delTG).
Protein change: p.Val638fs; shifts the reading frame from valine 638.
Molecular consequence: frameshift variant. On other transcripts: non-coding transcript variant (1).
Genome position (GRCh38, 1-based): chr7:2,538,621-2,538,622, CA deleted on the plus strand (TG on the coding strand, the reverse complement: BRAT1 is on the minus strand); deleting any 2 consecutive bases within chr7:2,538,621-2,538,624 gives the same sequence; the c. name uses the placement nearest the transcript's 3' end. VCF-style (leftmost placement, unchanged base first): chr7-2538620-GCA-G. GRCh37 (hg19) VCF-style: chr7-2578254-GCA-G.
Other names: c.2093_2094del, p.Val698fs (NM_001350626.2); c.1388_1389del, p.Val463fs (NM_001350627.2); short protein forms V638fs, V698fs, V463fs.
Identifiers: ClinVar variation 4772016 (VCV004772016.1).
Genomic context (GRCh38, chr7:2,538,620, plus strand): 5'-GGGCCAGCTCCAGGCCCTGGGCGCGGACCTCCCAGTCCAGGTCTCGGCTCGCCGCCTGCA[GCA>G]CAGTGGCCACGAACTGCTCCGTGTCCTGGGCCGCGTCGGCGTGGCCGTCCCGCAGCCACT-3'